The following is an entry in ClinVar:

NM_001018005.2(TPM1):c.639G>C (p.Lys213Asn)

Gene: TPM1 (tropomyosin 1; plus strand). Cytogenetic location: 15q22.2.
Variant type: single nucleotide variant.
Coding change: c.639G>C on transcript NM_001018005.2 (MANE Select); coding-DNA position 639, G replaced by C.
Protein change: p.Lys213Asn; replaces lysine 213 with asparagine.
Molecular consequence: missense variant. On other transcripts: non-coding transcript variant (16), intron variant (21).
Genome position (GRCh38, 1-based): chr15:63,061,788, G>C. VCF-style: chr15-63061788-G-C. GRCh37 (hg19) VCF-style: chr15-63353987-G-C.
Other names: c.639G>C, p.Lys213Asn (NM_001018004.2, NM_001018007.2, NM_001301244.2 and 7 more transcripts); c.531G>C, p.Lys177Asn (NM_001018008.2, NM_001301289.2, NM_001330346.2 and 3 more transcripts); c.765G>C, p.Lys255Asn (NM_001365778.1, NM_001407324.1); c.640-427G>C (NM_001407336.1, NM_001018020.2, NM_001407326.1 and 10 more transcripts); c.766-427G>C (NM_001407323.1, NM_001407322.1); c.532-427G>C (NM_001330351.2, NM_001330344.2, NM_001365781.2 and 3 more transcripts); short protein forms K213N, K177N, K255N.
Identifiers: ClinVar variation 2452599 (VCV002452599.6), dbSNP rs2035671896, ClinGen allele CA392724366.

ClinVar aggregate classification (germline): Uncertain significance. Review status: criteria provided, multiple submitters, no conflicts (2 of 4 stars). 3 submissions from 3 submitters: Uncertain significance (3). Last evaluated 2026-08-26.

Conditions:
Hypertrophic cardiomyopathy 3. Also called: TPM1-Related Familial Hypertrophic Cardiomyopathy. Identifiers: MedGen C1861863, MONDO:0007267, OMIM 115196.
Cardiovascular phenotype. Identifiers: MedGen CN230736.
Hypertrophic cardiomyopathy. Also called: HYPERTROPHIC MYOCARDIOPATHY. Identifiers: Orphanet 217569, MedGen C0007194, MeSH D002312, MONDO:0005045, HP:0001639.

gnomAD v4.1: 1 of 1,614,088 alleles (0.000062%); highest among the groups gnomAD compares: Non-Finnish European, 0.000085%; no homozygotes.

Submissions (3):

Ambry Genetics
Classification: Uncertain significance for Cardiovascular phenotype. Last evaluated: 2026-08-26. Review status: criteria provided, single submitter. Criteria: Ambry Variant Classification Scheme 2023. Collection method: clinical testing. Allele origin: germline.
Comment: The c.639G>C (p.K213N) alteration is located in exon 6 (coding exon 6) of the TPM1 gene. This alteration results from a G to C substitution at nucleotide position 639, causing the lysine (K) at amino acid position 213 to be replaced by an asparagine (N). This variant was not reported in population-based cohorts in the Genome Aggregation Database (gnomAD). This amino acid position is highly conserved in available vertebrate species. This alteration is predicted to be deleterious by in silico analysis. Based on insufficient or conflicting evidence, the clinical significance of this alteration remains unclear.

3billion
Classification: Uncertain significance for Hypertrophic cardiomyopathy 3. Last evaluated: 2024-11-25. Review status: criteria provided, single submitter. Criteria: ACMG Guidelines, 2015. Collection method: clinical testing. Allele origin: germline. Affected: yes.
Comment: The variant is observed at an extremely low frequency in the gnomAD v4.1.0 dataset (total allele frequency: <0.001%). Predicted Consequence/Location: Missense variant In silico tool predictions suggest damaging effect of the variant on gene or gene product [REVEL: 0.68 (>=0.6, sensitivity 0.68 and specificity 0.92); 3Cnet: 0.99 (>=0.6, sensitivity 0.72 and precision 0.9)]. The variant has been reported as of uncertain significance (ClinVar ID: VCV002452599). Therefore, this variant is classified as VUS according to the recommendation of ACMG/AMP guideline.

Labcorp Genetics (formerly Invitae), Labcorp
Classification: Uncertain significance for Hypertrophic cardiomyopathy. Last evaluated: 2024-07-24. Review status: criteria provided, single submitter. Criteria: Invitae Variant Classification Sherloc (09022015). Collection method: clinical testing. Allele origin: germline.
Comment: This sequence change replaces lysine, which is basic and polar, with asparagine, which is neutral and polar, at codon 213 of the TPM1 protein (p.Lys213Asn). This variant also falls at the last nucleotide of exon 6, which is part of the consensus splice site for this exon. This variant is not present in population databases (gnomAD no frequency). This variant has not been reported in the literature in individuals affected with TPM1-related conditions. ClinVar contains an entry for this variant (Variation ID: 2452599). An algorithm developed to predict the effect of missense changes on protein structure and function (PolyPhen-2) suggests that this variant is likely to be disruptive. Variants that disrupt the consensus splice site are a relatively common cause of aberrant splicing (PMID: 17576681, 9536098). Algorithms developed to predict the effect of sequence changes on RNA splicing suggest that this variant may disrupt the consensus splice site. In summary, the available evidence is currently insufficient to determine the role of this variant in disease. Therefore, it has been classified as a Variant of Uncertain Significance.

Literature cited by the submitters: PubMed 17576681 (cited by Labcorp Genetics (formerly Invitae), Labcorp); PubMed 9536098 (cited by Labcorp Genetics (formerly Invitae), Labcorp).